The following is an entry in ClinVar:

NM_152743.4(BRAT1):c.2075_2091del (p.Leu692fs)

Gene: BRAT1 (BRCA1 associated ATM activator 1; minus strand). Cytogenetic location: 7p22.3.
Variant type: Deletion.
Coding change: c.2075_2091del on transcript NM_152743.4 (MANE Select); coding-DNA positions 2075 to 2091, 17 bases deleted (TGAGGGCTCTCTGCCAC).
Protein change: p.Leu692fs; shifts the reading frame from leucine 692.
Molecular consequence: frameshift variant. On other transcripts: non-coding transcript variant (1).
Genome position (GRCh38, 1-based): chr7:2,538,444-2,538,460, GTGGCAGAGAGCCCTCA deleted on the plus strand (TGAGGGCTCTCTGCCAC on the coding strand, the reverse complement: BRAT1 is on the minus strand); deleting any 17 consecutive bases within chr7:2,538,444-2,538,463 gives the same sequence; the c. name uses the placement nearest the transcript's 3' end. VCF-style (leftmost placement, unchanged base first): chr7-2538443-CGTGGCAGAGAGCCCTCA-C. GRCh37 (hg19) VCF-style: chr7-2578077-CGTGGCAGAGAGCCCTCA-C.
Other names: c.2255_2271del, p.Leu752fs (NM_001350626.2); c.1550_1566del, p.Leu517fs (NM_001350627.2); short protein forms L692fs, L752fs, L517fs.
Identifiers: ClinVar variation 2030476 (VCV002030476.4), dbSNP rs2534285722, ClinGen allele CA2580076707.

ClinVar aggregate classification (germline): Pathogenic (1 of 4 stars; one submission).

Conditions:
Neonatal-onset encephalopathy with rigidity and seizures. Also called: Lethal neonatal spasticity-epileptic encephalopathy syndrome. Identifiers: Orphanet 435845, MedGen C3281029, MONDO:0013784, OMIM 614498.

Submission:

Labcorp Genetics (formerly Invitae), Labcorp
Classification: Pathogenic for Neonatal-onset encephalopathy with rigidity and seizures. Last evaluated: 2022-10-09. Review status: criteria provided, single submitter. Criteria: Invitae Variant Classification Sherloc (09022015). Collection method: clinical testing. Allele origin: germline.
Comment: This variant disrupts a region of the BRAT1 protein in which other variant(s) (p.Gln762*) have been determined to be pathogenic (PMID: 31618474, 31868227). This suggests that this is a clinically significant region of the protein, and that variants that disrupt it are likely to be disease-causing. For these reasons, this variant has been classified as Pathogenic. This variant has not been reported in the literature in individuals affected with BRAT1-related conditions. This variant is not present in population databases (gnomAD no frequency). This sequence change creates a premature translational stop signal (p.Leu692Argfs*5) in the BRAT1 gene. While this is not anticipated to result in nonsense mediated decay, it is expected to disrupt the last 130 amino acid(s) of the BRAT1 protein.

Literature cited by the submitters: PubMed 31618474; PubMed 31868227.